The following is an entry in ClinVar:

ClinVar aggregate classification (germline): Uncertain significance (1 of 4 stars; one submission).

Conditions:
Early Myoclonic Encephalopathy. Identifiers: MedGen C0270855.

gnomAD v4.1: 10 of 1,608,652 alleles (0.00062%); highest among the groups gnomAD compares: South Asian, 0.0022%; no homozygotes.

Submission:

Labcorp Genetics (formerly Invitae), Labcorp
Classification: Uncertain significance for Early Myoclonic Encephalopathy. Last evaluated: 2025-08-18. Review status: criteria provided, single submitter. Criteria: Invitae Variant Classification Sherloc (09022015). Collection method: clinical testing. Allele origin: germline.
Comment: This sequence change replaces valine, which is neutral and non-polar, with isoleucine, which is neutral and non-polar, at codon 222 of the JMJD1C protein (p.Val222Ile). This variant is present in population databases (rs758354686, gnomAD 0.003%). This variant has not been reported in the literature in individuals affected with JMJD1C-related conditions. An algorithm developed to predict the effect of missense changes on protein structure and function (PolyPhen-2) suggests that this variant is likely to be disruptive. In summary, the available evidence is currently insufficient to determine the role of this variant in disease. Therefore, it has been classified as a Variant of Uncertain Significance.

NM_032776.3(JMJD1C):c.664G>A (p.Val222Ile)

Gene: JMJD1C (jumonji domain containing 1C; minus strand). Cytogenetic location: 10q21.3.
Variant type: single nucleotide variant.
Coding change: c.664G>A on transcript NM_032776.3 (MANE Select); coding-DNA position 664, G replaced by A.
Protein change: p.Val222Ile; replaces valine 222 with isoleucine.
Molecular consequence: missense variant. On other transcripts: non-coding transcript variant (1), 5 prime UTR variant (1).
Genome position (GRCh38, 1-based): chr10:63,217,221, C>T on the plus strand (G>A on the coding strand, the complement: JMJD1C is on the minus strand). VCF-style: chr10-63217221-C-T. GRCh37 (hg19) VCF-style: chr10-64976981-C-T.
Other names: c.118G>A, p.Val40Ile (NM_001282948.2, NM_001318154.2); c.-205G>A (NM_001318153.2); c.550G>A, p.Val184Ile (NM_001322252.2); c.7G>A, p.Val3Ile (NM_001322254.2, NM_001322258.2); short protein forms V184I, V222I, V3I, V40I.
Identifiers: ClinVar variation 4737650 (VCV004737650.1).